The following is an entry in ClinVar:

ClinVar aggregate classification (germline): Uncertain significance (1 of 4 stars; one submission).

gnomAD v4.1: 6 of 1,613,210 alleles (0.00037%); highest among the groups gnomAD compares: Admixed American, 0.0033%; no homozygotes.

Submission:

GeneDx
Classification: Uncertain significance. Last evaluated: 2025-07-01. Review status: criteria provided, single submitter. Criteria: GeneDx Variant Classification Process June 2021. Collection method: clinical testing. Allele origin: germline. Affected: yes.
Comment: In silico analysis supports that this missense variant has a deleterious effect on protein structure/function; Has not been previously published as pathogenic or benign to our knowledge

NM_001287491.2(TET3):c.4951A>G (p.Ile1651Val)

Gene: TET3 (tet methylcytosine dioxygenase 3; plus strand). Cytogenetic location: 2p13.1.
Variant type: single nucleotide variant.
Coding change: c.4951A>G on transcript NM_001287491.2 (MANE Select); coding-DNA position 4951, A replaced by G.
Protein change: p.Ile1651Val; replaces isoleucine 1651 with valine.
Molecular consequence: missense variant.
Genome position (GRCh38, 1-based): chr2:74,101,739, A>G. VCF-style: chr2-74101739-A-G. GRCh37 (hg19) VCF-style: chr2-74328866-A-G.
Other names: c.4672A>G, p.Ile1558Val (NM_001366022.1); short protein forms I1558V, I1651V.
Identifiers: ClinVar variation 4680994 (VCV004680994.1).